The following is an entry in ClinVar:

NM_016529.6(ATP8A2):c.3109A>T (p.Thr1037Ser)

Gene: ATP8A2 (ATPase phospholipid transporting 8A2). Cytogenetic location: 13q12.13.
Variant type: single nucleotide variant.
Coding change: c.3109A>T on transcript NM_016529.6 (MANE Select); coding-DNA position 3109, A replaced by T.
Protein change: p.Thr1037Ser; replaces threonine 1037 with serine.
Molecular consequence: missense variant.
Genome position (GRCh38, 1-based): chr13:25,862,334, A>T. VCF-style: chr13-25862334-A-T. GRCh37 (hg19) VCF-style: chr13-26436472-A-T.
Other names: c.2914A>T, p.Thr972Ser (NM_001313741.1); c.3034A>T, p.Thr1012Ser (NM_001411005.1); c.3109A>T, p.Thr1037Ser (NM_001411006.1); c.3109A>T (NM_016529.4); short protein forms T1037S, T972S, T1012S.
Identifiers: ClinVar variation 2178296 (VCV002178296.5), dbSNP rs138600634, ClinGen allele CA6923564.

ClinVar aggregate classification (germline): Uncertain significance. Review status: criteria provided, multiple submitters, no conflicts (2 of 4 stars). 2 submissions from 2 submitters: Uncertain significance (2). Last evaluated 2024-10-21.

Conditions:
Inborn genetic diseases. Identifiers: MedGen C0950123, MeSH D030342.

Allele frequency attached by ClinVar (database versions not stated): ExAC 0.00001; gnomAD exomes 0.00002; TOPMed 0.00002; gnomAD 0.00005; 1000 Genomes Project 0.00040; 1000 Genomes Project 30x 0.00047.
gnomAD v4.1: 33 of 1,614,122 alleles (0.002%); highest among the groups gnomAD compares: Non-Finnish European, 0.0027%; no homozygotes.

Submissions (2):

Labcorp Genetics (formerly Invitae), Labcorp
Classification: Uncertain significance. Last evaluated: 2024-10-21. Review status: criteria provided, single submitter. Criteria: Invitae Variant Classification Sherloc (09022015). Collection method: clinical testing. Allele origin: germline.
Comment: This sequence change replaces threonine, which is neutral and polar, with serine, which is neutral and polar, at codon 1037 of the ATP8A2 protein (p.Thr1037Ser). This variant is present in population databases (rs138600634, gnomAD 0.006%). This variant has not been reported in the literature in individuals affected with ATP8A2-related conditions. ClinVar contains an entry for this variant (Variation ID: 2178296). Invitae Evidence Modeling of protein sequence and biophysical properties (such as structural, functional, and spatial information, amino acid conservation, physicochemical variation, residue mobility, and thermodynamic stability) indicates that this missense variant is not expected to disrupt ATP8A2 protein function with a negative predictive value of 80%. In summary, the available evidence is currently insufficient to determine the role of this variant in disease. Therefore, it has been classified as a Variant of Uncertain Significance.

Ambry Genetics
Classification: Uncertain significance for Inborn genetic diseases. Last evaluated: 2024-04-29. Review status: criteria provided, single submitter. Criteria: Ambry Variant Classification Scheme 2023. Collection method: clinical testing. Allele origin: germline.